The following is an entry in ClinVar:

NM_001999.4(FBN2):c.5675-87T>C

Gene: FBN2 (fibrillin 2; minus strand). Cytogenetic location: 5q23.3.
Variant type: single nucleotide variant.
Coding change: c.5675-87T>C on transcript NM_001999.4 (MANE Select); 87 bases into the intron before coding-DNA position 5675, T replaced by C.
Molecular consequence: intron variant.
Genome position (GRCh38, 1-based): chr5:128,305,169, A>G on the plus strand (T>C on the coding strand, the complement: FBN2 is on the minus strand). VCF-style: chr5-128305169-A-G. GRCh37 (hg19) VCF-style: chr5-127640861-A-G.
Identifiers: ClinVar variation 671004 (VCV000671004.1), dbSNP rs27855, ClinGen allele CA15389872.
Genomic context (GRCh38, chr5:128,305,169, plus strand): 5'-ATGTATCTGATTTTTATTAAGATTTCTTCATTTTTCACAGTTGTGTTTCTCTAATCTGCT[A>G]TTAATTATTATAGGCAGGCTGAAAATGAACCATAACAACAGCTGAATCAAAATGAGCAGG-3'

ClinVar aggregate classification (germline): Benign (1 of 4 stars; one submission).

Allele frequency attached by ClinVar (database versions not stated): TOPMed 0.47250; gnomAD 0.48836 and 0.50128; 1000 Genomes Project 30x 0.50984; 1000 Genomes Project 0.52137.
gnomAD v4.1: 653,241 of 1,132,668 alleles (58%); highest among the groups gnomAD compares: East Asian, 81%; 196,703 homozygotes.

Submission:

GeneDx
Classification: Benign. Last evaluated: 2018-06-14. Review status: criteria provided, single submitter. Criteria: GeneDx Variant Classification (06012015). Collection method: clinical testing. Allele origin: germline. Affected: yes.
Comment: This variant is considered likely benign or benign based on one or more of the following criteria: it is a conservative change, it occurs at a poorly conserved position in the protein, it is predicted to be benign by multiple in silico algorithms, and/or has population frequency not consistent with disease.